The following is an entry in ClinVar:

NM_005336.6(HDLBP):c.1189-4G>A

Gene: HDLBP (high density lipoprotein binding protein; minus strand). Cytogenetic location: 2q37.3.
Variant type: single nucleotide variant.
Coding change: c.1189-4G>A on transcript NM_005336.6 (MANE Select); 4 bases into the intron before coding-DNA position 1189, G replaced by A.
Molecular consequence: intron variant.
Genome position (GRCh38, 1-based): chr2:241,253,501, C>T on the plus strand (G>A on the coding strand, the complement: HDLBP is on the minus strand). VCF-style: chr2-241253501-C-T. GRCh37 (hg19) VCF-style: chr2-242192916-C-T.
Other names: c.1189-4G>A (NM_001320965.3, NM_001320967.3, NM_203346.6 and 2 more transcripts); c.1090-4G>A (NM_001243900.3).
Identifiers: ClinVar variation 778823 (VCV000778823.6), dbSNP rs61758862, ClinGen allele CA2216742.

ClinVar aggregate classification (germline): Benign. Review status: criteria provided, single submitter (1 of 4 stars). 2 submissions from 2 submitters: Benign (1). 1 of the submissions does not count toward it. Last evaluated 2019-12-31.

Conditions:
HDLBP-related disorder. Also called: HDLBP-related condition.

Allele frequency attached by ClinVar (database versions not stated): 1000 Genomes Project 0.00080; 1000 Genomes Project 30x 0.00109; gnomAD 0.00153 and 0.00160; ESP Exome Variant Server 0.00185; TOPMed 0.00187; gnomAD exomes 0.00194 and 0.00260; ExAC 0.00198.
gnomAD v4.1: 4,009 of 1,603,356 alleles (0.25%); highest among the groups gnomAD compares: Non-Finnish European, 0.3%; 9 homozygotes.

Submissions (2):

Labcorp Genetics (formerly Invitae), Labcorp
Classification: Benign. Last evaluated: 2019-12-31. Review status: criteria provided, single submitter. Criteria: Invitae Variant Classification Sherloc (09022015). Collection method: clinical testing. Allele origin: germline.

PreventionGenetics, part of Exact Sciences
Classification: Likely benign for HDLBP-related condition. Last evaluated: 2019-03-28. Review status: no assertion criteria provided. Collection method: clinical testing. Allele origin: germline. Not counted in ClinVar's aggregate classification.
Comment: This variant is classified as likely benign based on ACMG/AMP sequence variant interpretation guidelines (Richards et al. 2015 PMID: 25741868, with internal and published modifications).